The following is an entry in ClinVar:

NM_053013.4(ENO3):c.166C>T (p.Arg56Cys)

Gene: ENO3 (enolase 3; plus strand). Cytogenetic location: 17p13.2.
Variant type: single nucleotide variant.
Coding change: c.166C>T on transcript NM_053013.4 (MANE Select); coding-DNA position 166, C replaced by T.
Protein change: p.Arg56Cys; replaces arginine 56 with cysteine.
Molecular consequence: missense variant.
Genome position (GRCh38, 1-based): chr17:4,952,875, C>T. VCF-style: chr17-4952875-C-T. GRCh37 (hg19) VCF-style: chr17-4856170-C-T.
Other names: c.166C>T, p.Arg56Cys (NM_001193503.2, NM_001374523.1, NM_001976.5); c.193C>T, p.Arg65Cys (NM_001374524.1); short protein forms R56C, R65C.
Identifiers: ClinVar variation 1004098 (VCV001004098.6), dbSNP rs139073445, ClinGen allele CA8316159.

ClinVar aggregate classification (germline): Uncertain significance (1 of 4 stars; one submission).

Conditions:
Glycogen storage disease due to muscle beta-enolase deficiency (GSD13). Also called: ENOLASE 3 DEFICIENCY; ENOLASE-BETA DEFICIENCY; GSD XIII; Glycogen Storage Disease Type XIII. Identifiers: Orphanet 99849, MedGen C2752027, MONDO:0013046, OMIM 612932.

Allele frequency attached by ClinVar (database versions not stated): ExAC 0.00004; gnomAD exomes 0.00004; TOPMed 0.00005; gnomAD 0.00006; ESP Exome Variant Server 0.00015.
gnomAD v4.1: 110 of 1,612,282 alleles (0.0068%); highest among the groups gnomAD compares: East Asian, 0.011%; no homozygotes.

Submission:

Labcorp Genetics (formerly Invitae), Labcorp
Classification: Uncertain significance for Glycogen storage disease due to muscle beta-enolase deficiency. Last evaluated: 2022-02-23. Review status: criteria provided, single submitter. Criteria: Invitae Variant Classification Sherloc (09022015). Collection method: clinical testing. Allele origin: germline.
Comment: This sequence change replaces arginine, which is basic and polar, with cysteine, which is neutral and slightly polar, at codon 56 of the ENO3 protein (p.Arg56Cys). This variant is present in population databases (rs139073445, gnomAD 0.01%). This variant has not been reported in the literature in individuals affected with ENO3-related conditions. ClinVar contains an entry for this variant (Variation ID: 1004098). Algorithms developed to predict the effect of missense changes on protein structure and function are either unavailable or do not agree on the potential impact of this missense change (SIFT: "Deleterious"; PolyPhen-2: "Probably Damaging"; Align-GVGD: "Class C0"). In summary, the available evidence is currently insufficient to determine the role of this variant in disease. Therefore, it has been classified as a Variant of Uncertain Significance.